The following is an entry in ClinVar:

ClinVar aggregate classification (germline): Pathogenic (1 of 4 stars; one submission).

Submission:

Labcorp Genetics (formerly Invitae), Labcorp
Classification: Pathogenic. Last evaluated: 2025-09-20. Review status: criteria provided, single submitter. Criteria: Invitae Variant Classification Sherloc (09022015). Collection method: clinical testing. Allele origin: germline.
Comment: This sequence change creates a premature translational stop signal (p.Tyr522Thrfs*75) in the WHRN gene. It is expected to result in an absent or disrupted protein product. Loss-of-function variants in WHRN are known to be pathogenic (PMID: 12833159, 15841483, 22147658). This variant is present in population databases (no rsID available, gnomAD 0.003%). This variant has not been reported in the literature in individuals affected with WHRN-related conditions. ClinVar contains an entry for this variant (Variation ID: 2101433). For these reasons, this variant has been classified as Pathogenic.

Literature cited by the submitters: PubMed 12833159; PubMed 15841483; PubMed 22147658.

NM_015404.4(WHRN):c.1563del (p.Tyr522fs)

Gene: WHRN (whirlin; minus strand). Cytogenetic location: 9q32.
Variant type: Deletion.
Coding change: c.1563del on transcript NM_015404.4 (MANE Select); coding-DNA position 1563, one base deleted (C; older notation c.1563delC).
Protein change: p.Tyr522fs; shifts the reading frame from tyrosine 522.
Molecular consequence: frameshift variant.
Genome position (GRCh38, 1-based): chr9:114,423,377, G deleted on the plus strand (C on the coding strand, the reverse complement: WHRN is on the minus strand); the first of 2 consecutive G bases (chr9:114,423,377-114,423,378); deleting either gives the same sequence. VCF-style (leftmost placement, unchanged base first): chr9-114423376-AG-A. GRCh37 (hg19) VCF-style: chr9-117185656-AG-A.
Other names: c.414del, p.Tyr139fs (NM_001083885.3); c.1563del, p.Tyr522fs (NM_001173425.2); c.510del, p.Tyr171fs (NM_001346890.1); short protein forms Y139fs, Y171fs, Y522fs.
Identifiers: ClinVar variation 2101433 (VCV002101433.4), dbSNP rs1270309511, ClinGen allele CA590500549.